The following is an entry in ClinVar:

ClinVar aggregate classification (germline): Benign/Likely benign. Review status: criteria provided, multiple submitters, no conflicts (2 of 4 stars). 4 submissions from 4 submitters: Benign (1); Likely benign (3). Last evaluated 2026-06-01.

Conditions:
NXF5-related disorder. Also called: NXF5-related condition.

Allele frequency attached by ClinVar (database versions not stated): ExAC 0.00867; gnomAD exomes 0.02708; ESP Exome Variant Server 0.08035; gnomAD 0.16013; 1000 Genomes Project 30x 0.21852.

Submissions (4):

PreventionGenetics, part of Exact Sciences
Classification: Likely benign for NXF5-related condition. Last evaluated: 2026-06-01. Review status: criteria provided, single submitter. Criteria: ACMG Guidelines, 2015. Collection method: clinical testing. Allele origin: germline.
Comment: This variant is classified as likely benign based on ACMG/AMP sequence variant interpretation guidelines (Richards et al. 2015 PMID: 25741868, with internal and published modifications).

GeneDx
Classification: Benign. Last evaluated: 2019-10-05. Review status: criteria provided, single submitter. Criteria: GeneDx Variant Classification Process June 2021. Collection method: clinical testing. Allele origin: germline. Affected: yes.

Labcorp Genetics (formerly Invitae), Labcorp
Classification: Likely benign. Last evaluated: 2017-12-05. Review status: criteria provided, single submitter. Criteria: Invitae Variant Classification Sherloc (09022015). Collection method: clinical testing. Allele origin: germline.

Breakthrough Genomics
Classification: Likely benign. Review status: criteria provided, single submitter. Criteria: ACMG Guidelines, 2015. Collection method: not provided. Allele origin: germline. Inheritance: Unknown mechanism. Affected: yes.

NR_028089.1(NXF5):n.1047T>C

Gene: NXF5 (nuclear RNA export factor 5; minus strand). Cytogenetic location: Xq22.1.
Variant type: single nucleotide variant.
Molecular consequence: non-coding transcript variant (on NR_028089.1).
Genome position: GRCh38 VCF-style: chrX-101840510-A-G. GRCh37 (hg19) VCF-style: chrX-101095482-A-G.
Other names: NM_032946.2:c.687T>C; NM_032946.1:c.687T>C.
Identifiers: ClinVar variation 769490 (VCV000769490.7), dbSNP rs4021041, ClinGen allele CA10474576.